The following is an entry in ClinVar:

ClinVar aggregate classification (germline): Uncertain significance (1 of 4 stars; one submission).

Allele frequency attached by ClinVar (database versions not stated): gnomAD exomes below 0.00001; gnomAD 0.00001; TOPMed 0.00001.
gnomAD v4.1: 5 of 1,607,546 alleles (0.00031%); highest among the groups gnomAD compares: Non-Finnish European, 0.00042%; no homozygotes.

Submission:

Labcorp Genetics (formerly Invitae), Labcorp
Classification: Uncertain significance. Last evaluated: 2024-07-29. Review status: criteria provided, single submitter. Criteria: Invitae Variant Classification Sherloc (09022015). Collection method: clinical testing. Allele origin: germline.
Comment: This sequence change falls in intron 1 of the ACO2 gene. It does not directly change the encoded amino acid sequence of the ACO2 protein. It affects a nucleotide within the consensus splice site. This variant is present in population databases (no rsID available, gnomAD 0.007%). This variant has not been reported in the literature in individuals affected with ACO2-related conditions. ClinVar contains an entry for this variant (Variation ID: 1953354). Variants that disrupt the consensus splice site are a relatively common cause of aberrant splicing (PMID: 17576681, 9536098). Algorithms developed to predict the effect of sequence changes on RNA splicing suggest that this variant is not likely to affect RNA splicing. In summary, the available evidence is currently insufficient to determine the role of this variant in disease. Therefore, it has been classified as a Variant of Uncertain Significance.

Literature cited by the submitters: PubMed 17576681; PubMed 9536098.

NM_001098.3(ACO2):c.36+3G>A

Gene: ACO2 (aconitase 2; plus strand). Cytogenetic location: 22q13.2.
Variant type: single nucleotide variant.
Coding change: c.36+3G>A on transcript NM_001098.3 (MANE Select); 3 bases into the intron after coding-DNA position 36, G replaced by A.
Molecular consequence: intron variant.
Genome position (GRCh38, 1-based): chr22:41,469,185, G>A. VCF-style: chr22-41469185-G-A. GRCh37 (hg19) VCF-style: chr22-41865189-G-A.
Identifiers: ClinVar variation 1953354 (VCV001953354.5), dbSNP rs1487074980, ClinGen allele CA639451365.